The following is an entry in ClinVar:

NM_000321.3(RB1):c.770A>G (p.Gln257Arg)

Gene: RB1 (RB transcriptional corepressor 1; plus strand). Cytogenetic location: 13q14.2.
Variant type: single nucleotide variant.
Coding change: c.770A>G on transcript NM_000321.3 (MANE Select); coding-DNA position 770, A replaced by G.
Protein change: p.Gln257Arg; replaces glutamine 257 with arginine.
Molecular consequence: missense variant.
Genome position (GRCh38, 1-based): chr13:48,362,866, A>G. VCF-style: chr13-48362866-A-G. GRCh37 (hg19) VCF-style: chr13-48937002-A-G.
Other names: short protein forms Q257R.
Identifiers: ClinVar variation 575373 (VCV000575373.13), dbSNP rs1232080974, ClinGen allele CA388159375.

ClinVar aggregate classification (germline): Uncertain significance. Review status: criteria provided, multiple submitters, no conflicts (2 of 4 stars). 4 submissions from 4 submitters: Uncertain significance (4). Last evaluated 2025-11-17.

Conditions:
Retinoblastoma (RB1). Also called: RETINOBLASTOMA, SOMATIC. Identifiers: Orphanet 790, MedGen C0035335, MeSH D012175, MONDO:0008380, OMIM 180200, HP:0009919. Disease mechanism: loss of function. Inheritance: Both sporadic and heritable forms are tested..
Hereditary cancer-predisposing syndrome. Also called: Tumor predisposition; Hereditary neoplastic syndrome; Hereditary Cancer Syndrome; Neoplastic Syndromes, Hereditary. Identifiers: Orphanet 140162, MedGen C0027672, MeSH D009386, MONDO:0015356.

Allele frequency attached by ClinVar (database versions not stated): gnomAD exomes below 0.00001.

Submissions (4):

Labcorp Genetics (formerly Invitae), Labcorp
Classification: Uncertain significance for Retinoblastoma. Last evaluated: 2025-11-17. Review status: criteria provided, single submitter. Criteria: Invitae Variant Classification Sherloc (09022015). Collection method: clinical testing. Allele origin: germline.
Comment: This sequence change replaces glutamine, which is neutral and polar, with arginine, which is basic and polar, at codon 257 of the RB1 protein (p.Gln257Arg). This variant is present in population databases (no rsID available, gnomAD 0.003%). This variant has not been reported in the literature in individuals affected with RB1-related conditions. ClinVar contains an entry for this variant (Variation ID: 575373). Invitae Evidence Modeling of protein sequence and biophysical properties (such as structural, functional, and spatial information, amino acid conservation, physicochemical variation, residue mobility, and thermodynamic stability) has been performed for this missense variant. However, the output from this modeling did not meet the statistical confidence thresholds required to predict the impact of this variant on RB1 protein function. In summary, the available evidence is currently insufficient to determine the role of this variant in disease. Therefore, it has been classified as a Variant of Uncertain Significance.

GeneDx
Classification: Uncertain significance. Last evaluated: 2023-10-18. Review status: criteria provided, single submitter. Criteria: GeneDx Variant Classification Process June 2021. Collection method: clinical testing. Allele origin: germline. Affected: yes.
Comment: Not observed at significant frequency in large population cohorts (gnomAD); In silico analysis supports that this missense variant does not alter protein structure/function; Has not been previously published as pathogenic or benign to our knowledge; This variant is associated with the following publications: (PMID: 23516486)

Ambry Genetics
Classification: Uncertain significance for Hereditary cancer-predisposing syndrome. Last evaluated: 2023-08-21. Review status: criteria provided, single submitter. Criteria: Ambry Variant Classification Scheme 2023. Collection method: clinical testing. Allele origin: germline.
Comment: The p.Q257R variant (also known as c.770A>G), located in coding exon 8 of the RB1 gene, results from an A to G substitution at nucleotide position 770. The glutamine at codon 257 is replaced by arginine, an amino acid with highly similar properties. This amino acid position is highly conserved in available vertebrate species. In addition, the in silico prediction for this alteration is inconclusive. Since supporting evidence is limited at this time, the clinical significance of this alteration remains unclear.

All of Us Research Program, National Institutes of Health
Classification: Uncertain significance for Retinoblastoma. Last evaluated: 2023-05-31. Review status: criteria provided, single submitter. Criteria: ACMG Guidelines, 2015. Collection method: clinical testing. Allele origin: germline. Inheritance: Autosomal dominant inheritance. Observed: 2 variant alleles, 2 heterozygotes.
Comment: This missense variant replaces glutamine with arginine at codon 257 of the RB1 protein. Computational prediction suggests that this variant may not impact protein structure and function (internally defined REVEL score threshold <= 0.5, PMID: 27666373). To our knowledge, functional studies have not been reported for this variant. This variant has not been reported in individuals affected with RB1-related disorders in the literature. This variant has been identified in 1/251188 chromosomes in the general population by the Genome Aggregation Database (gnomAD). The available evidence is insufficient to determine the role of this variant in disease conclusively. Therefore, this variant is classified as a Variant of Uncertain Significance.

This study involves interpretation of variants in research participants for the purpose of population health screening. Participant phenotype was not available at the time of variant classification. Additional details can be found in publication PMID: 35346344, PMCID: PMC8962531